The following is an entry in ClinVar:

NC_000002.12:g.(?_166073338)_(166073641_?)del

Gene: SCN1A (sodium voltage-gated channel alpha subunit 1; minus strand). Cytogenetic location: 2q24.3.
Variant type: Deletion.
Identifiers: ClinVar variation 830988 (VCV000830988.2).

ClinVar aggregate classification (germline): Pathogenic (1 of 4 stars; one submission).

Conditions:
Developmental and epileptic encephalopathy. Identifiers: MedGen C5779964, MONDO:0100620.

Submission:

Labcorp Genetics (formerly Invitae), Labcorp
Classification: Pathogenic for Early infantile epileptic encephalopathy with suppression bursts. Last evaluated: 2019-10-01. Review status: criteria provided, single submitter. Criteria: Invitae Variant Classification Sherloc (09022015). Collection method: clinical testing. Allele origin: germline.
Comment: This variant is a gross deletion of the genomic region encompassing exon 1 of the SCN1A gene, which includes the initiator codon. The 5' end of this event is unknown as it extends beyond the assayed region for this gene and therefore may encompass additional genes. The 3' boundary is likely confined to intron 1 of the SCN1A gene. This is expected to result in an absent or disrupted protein product. A similar deletion of exon 1 has been reported in an individual affected with classic Dravet syndrome (PMID: 21248271). Loss-of-function variants in SCN1A are known to be pathogenic (PMID: 17347258, 18930999). For these reasons, this variant has been classified as Pathogenic.

Literature cited by the submitters: PubMed 21248271.